The following is an entry in ClinVar:

ClinVar aggregate classification (germline): Pathogenic (1 of 4 stars; one submission).

Conditions:
Hereditary breast ovarian cancer syndrome. Also called: Hereditary breast and ovarian cancer syndrome; Breast and ovarian cancer; Hereditary breast and ovarian cancer; Hereditary breast and/or ovarian cancer syndrome; Hereditary breast and ovarian cancer syndrome (HBOC); BRCA1- and BRCA2-Associated Hereditary Breast and Ovarian Cancer. Identifiers: Orphanet 145, MedGen C0677776, MeSH D061325, MONDO:0003582. Disease mechanism: loss of function.

Submission:

Labcorp Genetics (formerly Invitae), Labcorp
Classification: Pathogenic for Hereditary breast ovarian cancer syndrome. Last evaluated: 2018-05-24. Review status: criteria provided, single submitter. Criteria: Invitae Variant Classification Sherloc (09022015). Collection method: clinical testing. Allele origin: germline.
Comment: This sequence change creates a premature translational stop signal (p.Ser642Leufs*2) in the BRCA2 gene. It is expected to result in an absent or disrupted protein product. This variant is not present in population databases (ExAC no frequency). This variant has not been reported in the literature in individuals with BRCA2-related disease. Loss-of-function variants in BRCA2 are known to be pathogenic (PMID: 20104584). For these reasons, this variant has been classified as Pathogenic.

Literature cited by the submitters: PubMed 20104584.

NM_000059.4(BRCA2):c.1925del (p.Ser642fs)

Gene: BRCA2 (BRCA2 DNA repair associated; plus strand). Cytogenetic location: 13q13.1.
Variant type: Deletion.
Coding change: c.1925del on transcript NM_000059.4 (MANE Select); coding-DNA position 1925, one base deleted (C; older notation c.1925delC).
Protein change: p.Ser642fs; shifts the reading frame from serine 642.
Molecular consequence: frameshift variant.
Genome position (GRCh38, 1-based): chr13:32,336,280, C deleted. VCF-style (leftmost placement, unchanged base first): chr13-32336279-TC-T. GRCh37 (hg19) VCF-style: chr13-32910416-TC-T.
Other names: c.1925delC (NM_000059.3); short protein forms S642fs.
Identifiers: ClinVar variation 570885 (VCV000570885.7), dbSNP rs1566225794, ClinGen allele CA891843622.